The following is an entry in ClinVar:

ClinVar aggregate classification (germline): Conflicting classifications of pathogenicity. Review status: criteria provided, conflicting classifications (1 of 4 stars). 2 submissions from 2 submitters: Uncertain significance (1); Likely benign (1). Last evaluated 2026-01-18.

Conditions:
Cardiovascular phenotype. Identifiers: MedGen CN230736.
X-linked Emery-Dreifuss muscular dystrophy. Also called: Muscular dystrophy, tardive Emery-Dreifuss type, with contractures. Identifiers: Orphanet 261, Orphanet 98863, MedGen C0751337, MONDO:0010680.

Allele frequency attached by ClinVar (database versions not stated): TOPMed 0.00001; gnomAD 0.00002.

Submissions (2):

Labcorp Genetics (formerly Invitae), Labcorp
Classification: Uncertain significance for X-linked Emery-Dreifuss muscular dystrophy. Last evaluated: 2026-01-18. Review status: criteria provided, single submitter. Criteria: Invitae Variant Classification Sherloc (09022015). Collection method: clinical testing. Allele origin: germline.
Comment: This sequence change replaces aspartic acid, which is acidic and polar, with glutamic acid, which is acidic and polar, at codon 178 of the EMD protein (p.Asp178Glu). This variant is present in population databases (no rsID available, gnomAD 0.001%), including at least one homozygous and/or hemizygous individual. This variant has not been reported in the literature in individuals affected with EMD-related conditions. ClinVar contains an entry for this variant (Variation ID: 2158876). Invitae Evidence Modeling of protein sequence and biophysical properties (such as structural, functional, and spatial information, amino acid conservation, physicochemical variation, residue mobility, and thermodynamic stability) indicates that this missense variant is not expected to disrupt EMD protein function with a negative predictive value of 80%. In summary, the available evidence is currently insufficient to determine the role of this variant in disease. Therefore, it has been classified as a Variant of Uncertain Significance.

Ambry Genetics
Classification: Likely benign for Cardiovascular phenotype. Last evaluated: 2024-01-02. Review status: criteria provided, single submitter. Criteria: Ambry Variant Classification Scheme 2023. Collection method: clinical testing. Allele origin: germline.

NM_000117.3(EMD):c.534C>A (p.Asp178Glu)

Gene: EMD (emerin; plus strand). Cytogenetic location: Xq28.
Variant type: single nucleotide variant.
Coding change: c.534C>A on transcript NM_000117.3 (MANE Select); coding-DNA position 534, C replaced by A.
Protein change: p.Asp178Glu; replaces aspartic acid 178 with glutamic acid.
Molecular consequence: missense variant.
Genome position (GRCh38, 1-based): chrX:154,380,966, C>A. VCF-style: chrX-154380966-C-A. GRCh37 (hg19) VCF-style: chrX-153609326-C-A.
Other names: short protein forms D178E.
Identifiers: ClinVar variation 2158876 (VCV002158876.4), dbSNP rs1430510939, ClinGen allele CA415258729.